The following is an entry in ClinVar:

ClinVar aggregate classification (germline): Uncertain significance (1 of 4 stars; one submission).

Conditions:
Hajdu-Cheney syndrome (HJCYS). Also called: SERPENTINE FIBULA-POLYCYSTIC KIDNEY SYNDROME; Acroosteolysis dominant type; ACROOSTEOLYSIS WITH OSTEOPOROSIS AND CHANGES IN SKULL AND MANDIBLE. Identifiers: Orphanet 955, MedGen C0917715, MONDO:0007057, OMIM 102500.

Submission:

Labcorp Genetics (formerly Invitae), Labcorp
Classification: Uncertain significance for Hajdu-Cheney syndrome. Last evaluated: 2021-11-03. Review status: criteria provided, single submitter. Criteria: Invitae Variant Classification Sherloc (09022015). Collection method: clinical testing. Allele origin: germline.
Comment: This sequence change replaces glycine, which is neutral and non-polar, with arginine, which is basic and polar, at codon 1347 of the NOTCH2 protein (p.Gly1347Arg). This variant is not present in population databases (gnomAD no frequency). This variant has not been reported in the literature in individuals affected with NOTCH2-related conditions. Advanced modeling of protein sequence and biophysical properties (such as structural, functional, and spatial information, amino acid conservation, physicochemical variation, residue mobility, and thermodynamic stability) performed at Invitae indicates that this missense variant is not expected to disrupt NOTCH2 protein function. In summary, the available evidence is currently insufficient to determine the role of this variant in disease. Therefore, it has been classified as a Variant of Uncertain Significance.

NM_024408.4(NOTCH2):c.4039G>A (p.Gly1347Arg)

Gene: NOTCH2 (notch receptor 2; minus strand). Cytogenetic location: 1p12.
Variant type: single nucleotide variant.
Coding change: c.4039G>A on transcript NM_024408.4 (MANE Select); coding-DNA position 4039, G replaced by A.
Protein change: p.Gly1347Arg; replaces glycine 1347 with arginine.
Molecular consequence: missense variant.
Genome position (GRCh38, 1-based): chr1:119,925,777, C>T on the plus strand (G>A on the coding strand, the complement: NOTCH2 is on the minus strand). VCF-style: chr1-119925777-C-T. GRCh37 (hg19) VCF-style: chr1-120468400-C-T.
Other names: short protein forms G1347R.
Identifiers: ClinVar variation 1346789 (VCV001346789.6), dbSNP rs2101163283, ClinGen allele CA341891246.